The following is an entry in ClinVar:

NM_198271.5(LMOD3):c.1201C>T (p.Arg401Ter)

Gene: LMOD3 (leiomodin 3; minus strand). Cytogenetic location: 3p14.1.
Variant type: single nucleotide variant.
Coding change: c.1201C>T on transcript NM_198271.5 (MANE Select); coding-DNA position 1201, C replaced by T.
Protein change: p.Arg401Ter; replaces arginine 401 with a stop codon.
Molecular consequence: nonsense.
Genome position (GRCh38, 1-based): chr3:69,119,154, G>A on the plus strand (C>T on the coding strand, the complement: LMOD3 is on the minus strand). VCF-style: chr3-69119154-G-A. GRCh37 (hg19) VCF-style: chr3-69168305-G-A.
Other names: c.1201C>T, p.Arg401Ter (NM_001304418.3); short protein forms R401*.
Identifiers: ClinVar variation 162217 (VCV000162217.5), dbSNP rs724159964, ClinGen allele CA214788.

ClinVar aggregate classification (germline): Pathogenic. Review status: criteria provided, single submitter (1 of 4 stars). 2 submissions from 2 submitters: Pathogenic (1). 1 of the submissions does not count toward it. Last evaluated 2025-10-01.

Conditions:
Nemaline myopathy 10 (NEM10). Identifiers: MedGen C4015360, MONDO:0014513, OMIM 616165.

Allele frequency attached by ClinVar (database versions not stated): gnomAD exomes below 0.00001; ExAC 0.00001; gnomAD 0.00001; TOPMed 0.00003.
gnomAD v4.1: 2 of 1,613,618 alleles (0.00012%); highest among the groups gnomAD compares: Admixed American, 0.0017%; no homozygotes.

Submissions (2):

Labcorp Genetics (formerly Invitae), Labcorp
Classification: Pathogenic for Nemaline myopathy 10. Last evaluated: 2025-10-01. Review status: criteria provided, single submitter. Criteria: Invitae Variant Classification Sherloc (09022015). Collection method: clinical testing. Allele origin: germline.
Comment: This sequence change creates a premature translational stop signal (p.Arg401*) in the LMOD3 gene. It is expected to result in an absent or disrupted protein product. Loss-of-function variants in LMOD3 are known to be pathogenic (PMID: 25250574). This variant is present in population databases (rs724159964, gnomAD 0.004%). This premature translational stop signal has been observed in individual(s) with nemaline myopathy (PMID: 25250574). ClinVar contains an entry for this variant (Variation ID: 162217). For these reasons, this variant has been classified as Pathogenic.

OMIM
Classification: Pathogenic for NEMALINE MYOPATHY 10. Last evaluated: 2014-11-03. Review status: no assertion criteria provided. Collection method: literature only. Allele origin: germline. Not counted in ClinVar's aggregate classification.

Literature cited by the submitters: PubMed 25250574 (cited by Labcorp Genetics (formerly Invitae), Labcorp); Yuen, M., Sandaradura, S. A., Dowling, J. J., Kostyukova, A. S., Moroz, N., Quinlan, K. G., Lehtokari, V.-L., Ravenscroft, G., Todd, E. J., Ceyhan-Birsoy, O., Gokhin, D. S., Maluenda, J., and 45 others Leiomodin-3 dysfunction results in thin filament disorganization and nemaline myopathy. J. Clin. Invest. 124: 4693-4708, 2014. Note: Erratum: J. Clin. Invest. 125: 456 only, 2015. (cited by OMIM).